The following is an entry in ClinVar:

NM_001040142.2(SCN2A):c.4129G>A (p.Val1377Ile)

Gene: SCN2A (sodium voltage-gated channel alpha subunit 2; plus strand). Cytogenetic location: 2q24.3.
Variant type: single nucleotide variant.
Coding change: c.4129G>A on transcript NM_001040142.2 (MANE Select); coding-DNA position 4129, G replaced by A.
Protein change: p.Val1377Ile; replaces valine 1377 with isoleucine.
Molecular consequence: missense variant.
Genome position (GRCh38, 1-based): chr2:165,374,841, G>A. VCF-style: chr2-165374841-G-A. GRCh37 (hg19) VCF-style: chr2-166231351-G-A.
Other names: c.4129G>A, p.Val1377Ile (NM_001040143.2, NM_001371246.1, NM_001371247.1 and 1 more transcripts); short protein forms V1377I.
Identifiers: ClinVar variation 4882051 (VCV004882051.2).
Genomic context (GRCh38, chr2:165,374,841, plus strand): 5'-AATCTCTTTGCTGGCAAGTTTTACCATTGTATTAATTACACCACTGGAGAGATGTTTGAT[G>A]TAAGCGTGGTCAACAACTACAGTGAGTGCAAAGCTCTCATTGAGAGCAATCAAACTGCCA-3'
Protein context (NP_001035232.1, residues 1367-1387): INYTTGEMFD[Val1377Ile]SVVNNYSECK

ClinVar aggregate classification (germline): Uncertain significance (1 of 4 stars; one submission).

gnomAD v4.1: 1 of 1,613,584 alleles (0.000062%); highest among the groups gnomAD compares: Non-Finnish European, 0.000085%; no homozygotes.

Submission:

Dasa
Classification: Uncertain significance. Last evaluated: 2025-06-27. Review status: criteria provided, single submitter. Criteria: DASA Assertion Criteria. Collection method: clinical testing. Allele origin: germline.
Comment: NM_001040142.2(SCN2A):c.4129G>A (p.Val1377Ile) is a missense variant that results in the substitution of valine with isoleucine. This variant is rare in population databases. Computational prediction algorithms are consistent with a benign effect. The currently available literature and clinical evidence are not sufficient to establish a definitive association between this variant and the reported condition. Therefore, this variant is classified as a variant of uncertain significance.